The following is an entry in ClinVar:

NM_005994.4(TBX2):c.1295A>G (p.Lys432Arg)

Gene: TBX2 (T-box transcription factor 2; plus strand). Cytogenetic location: 17q23.2.
Variant type: single nucleotide variant.
Coding change: c.1295A>G on transcript NM_005994.4 (MANE Select); coding-DNA position 1295, A replaced by G.
Protein change: p.Lys432Arg; replaces lysine 432 with arginine.
Molecular consequence: missense variant.
Genome position (GRCh38, 1-based): chr17:61,405,445, A>G. VCF-style: chr17-61405445-A-G. GRCh37 (hg19) VCF-style: chr17-59482806-A-G.
Other names: short protein forms K432R.
Identifiers: ClinVar variation 1028465 (VCV001028465.1), dbSNP rs1198462287, ClinGen allele CA400474123.

ClinVar aggregate classification (germline): Uncertain significance (1 of 4 stars; one submission).

Conditions:
Vertebral anomalies and variable endocrine and T-cell dysfunction. Identifiers: MedGen C4748741, MONDO:0032607, OMIM 618223.

Allele frequency attached by ClinVar (database versions not stated): gnomAD 0.00001; gnomAD exomes 0.00001; TOPMed 0.00001.
gnomAD v4.1: 17 of 1,568,658 alleles (0.0011%); highest among the groups gnomAD compares: Non-Finnish European, 0.0015%; no homozygotes.

Submission:

Baylor Genetics
Classification: Uncertain significance for Vertebral anomalies and variable endocrine and T-cell dysfunction. Last evaluated: 2019-08-02. Review status: criteria provided, single submitter. Criteria: ACMG Guidelines, 2015. Collection method: clinical testing. Allele origin: unknown. Affected: yes.
Comment: This variant was determined to be of uncertain significance according to ACMG Guidelines, 2015 [PMID:25741868].